The following is an entry in ClinVar:

NM_001378452.1(ITPR1):c.3089G>A (p.Gly1030Glu)

Gene: ITPR1 (inositol 1,4,5-trisphosphate receptor type 1; plus strand). Cytogenetic location: 3p26.1.
Variant type: single nucleotide variant.
Coding change: c.3089G>A on transcript NM_001378452.1 (MANE Select); coding-DNA position 3089, G replaced by A.
Protein change: p.Gly1030Glu; replaces glycine 1030 with glutamic acid.
Molecular consequence: missense variant.
Genome position (GRCh38, 1-based): chr3:4,680,674, G>A. VCF-style: chr3-4680674-G-A. GRCh37 (hg19) VCF-style: chr3-4722358-G-A.
Other names: c.3062G>A, p.Gly1021Glu (NM_001099952.4); c.3044G>A, p.Gly1015Glu (NM_001168272.2); c.3017G>A, p.Gly1006Glu (NM_002222.7); short protein forms G1006E, G1021E, G1030E, G1015E.
Identifiers: ClinVar variation 2702659 (VCV002702659.3), dbSNP rs965792046, ClinGen allele CA68825327.
Genomic context (GRCh38, chr3:4,680,674, plus strand): 5'-AGTTTGATGAAAGCAATTCCCAGACTTCAGAAACATCCTCCGGAAACAGCAGCCAAGAAG[G>A]GCCAAGTAATGTACCAGGTTAGTGATTCAGAATGGAATTTCAGCCATAGAATGGGACCTG-3'
Protein context (NP_001365381.1, residues 1020-1040): ETSSGNSSQE[Gly1030Glu]PSNVPGALDF

ClinVar aggregate classification (germline): Uncertain significance (1 of 4 stars; one submission).

gnomAD v4.1: 2 of 1,612,394 alleles (0.00012%); highest among the groups gnomAD compares: South Asian, 0.0022%; no homozygotes.

Submission:

Labcorp Genetics (formerly Invitae), Labcorp
Classification: Uncertain significance. Last evaluated: 2024-12-15. Review status: criteria provided, single submitter. Criteria: Invitae Variant Classification Sherloc (09022015). Collection method: clinical testing. Allele origin: germline.
Comment: This sequence change replaces glycine, which is neutral and non-polar, with glutamic acid, which is acidic and polar, at codon 1006 of the ITPR1 protein (p.Gly1006Glu). This variant is not present in population databases (gnomAD no frequency). This variant has not been reported in the literature in individuals affected with ITPR1-related conditions. ClinVar contains an entry for this variant (Variation ID: 2702659). Invitae Evidence Modeling of protein sequence and biophysical properties (such as structural, functional, and spatial information, amino acid conservation, physicochemical variation, residue mobility, and thermodynamic stability) indicates that this missense variant is not expected to disrupt ITPR1 protein function with a negative predictive value of 95%. In summary, the available evidence is currently insufficient to determine the role of this variant in disease. Therefore, it has been classified as a Variant of Uncertain Significance.